The following is an entry in ClinVar:

NM_013382.7(POMT2):c.409G>A (p.Glu137Lys)

Gene: POMT2 (protein O-mannosyltransferase 2; minus strand). Cytogenetic location: 14q24.3.
Variant type: single nucleotide variant.
Coding change: c.409G>A on transcript NM_013382.7 (MANE Select); coding-DNA position 409, G replaced by A.
Protein change: p.Glu137Lys; replaces glutamic acid 137 with lysine.
Molecular consequence: missense variant.
Genome position (GRCh38, 1-based): chr14:77,306,366, C>T on the plus strand (G>A on the coding strand, the complement: POMT2 is on the minus strand). VCF-style: chr14-77306366-C-T. GRCh37 (hg19) VCF-style: chr14-77772709-C-T.
Other names: short protein forms E137K.
Identifiers: ClinVar variation 4998859 (VCV004998859.1).

ClinVar aggregate classification (germline): Uncertain significance (1 of 4 stars; one submission).

Conditions:
POMT2-related disorder. Also called: POMT2-related condition.

Submission:

PreventionGenetics, part of Exact Sciences
Classification: Uncertain significance for POMT2-related condition. Last evaluated: 2025-07-24. Review status: criteria provided, single submitter. Criteria: ACMG Guidelines, 2015. Collection method: clinical testing. Allele origin: germline.
Comment: The POMT2 c.409G>A variant is predicted to result in the amino acid substitution p.Glu137Lys. To our knowledge, this variant has not been reported in the literature or in a large population database (gnomAD), indicating this variant is rare. At this time, the clinical significance of this variant is uncertain due to the absence of conclusive functional and genetic evidence.